The following is an entry in ClinVar:

NM_001244008.2(KIF1A):c.2140G>A (p.Glu714Lys)

Gene: KIF1A (kinesin family member 1A; minus strand). Cytogenetic location: 2q37.3.
Variant type: single nucleotide variant.
Coding change: c.2140G>A on transcript NM_001244008.2 (MANE Select); coding-DNA position 2140, G replaced by A.
Protein change: p.Glu714Lys; replaces glutamic acid 714 with lysine.
Molecular consequence: missense variant.
Genome position (GRCh38, 1-based): chr2:240,761,354, C>T on the plus strand (G>A on the coding strand, the complement: KIF1A is on the minus strand). VCF-style: chr2-240761354-C-T. GRCh37 (hg19) VCF-style: chr2-241700771-C-T.
Other names: c.2140G>A, p.Glu714Lys (NM_001320705.2, NM_001330289.2, NM_001379638.1); c.2215G>A, p.Glu739Lys (NM_001330290.2, NM_001379631.1, NM_001379634.1 and 2 more transcripts); c.2113G>A, p.Glu705Lys (NM_001379632.1, NM_001379633.1, NM_001379636.1 and 10 more transcripts); c.2188G>A, p.Glu730Lys (NM_001379637.1, NM_001379648.1); short protein forms E714K, E730K, E705K, E739K.
Identifiers: ClinVar variation 1509455 (VCV001509455.8), dbSNP rs2125894580, ClinGen allele CA351325586.
Genomic context (GRCh38, chr2:240,761,354, plus strand): 5'-GGTCCCGCAGAGACGTGAACTGGTACCACTTCCACTTCCGGAAGGCCCAGAGCGCCAGCT[C>T]ACACTCCCGCTCTGTCCACTGGACTGTGGGGAGAGGTCACACGTGGTCATCGCAGGAAGG-3'
Protein context (NP_001230937.1, residues 704-724): DEVQWTEREC[Glu714Lys]LALWAFRKWK

ClinVar aggregate classification (germline): Uncertain significance (1 of 4 stars; one submission).

Conditions:
Hereditary spastic paraplegia 30. Identifiers: Orphanet 101010, MedGen C5235139, MONDO:0012476.
Neuropathy, hereditary sensory, type 2C. Also called: KIF1A-Related HSAN2 (HSAN2C); Hereditary sensory and autonomic neuropathy type IIC. Identifiers: Orphanet 970, MedGen C3280168, MONDO:0013634, OMIM 614213.
Intellectual disability, autosomal dominant 9 (NESCAVS). Also called: KIF1A-Related Neurodevelopmental Disorder; NESCAV SYNDROME. Identifiers: Orphanet 662367, MedGen C5393830, MONDO:0013656, OMIM 614255.

Submission:

Labcorp Genetics (formerly Invitae), Labcorp
Classification: Uncertain significance for Hereditary spastic paraplegia 30; Neuropathy, hereditary sensory, type 2C; Intellectual disability, autosomal dominant 9. Last evaluated: 2020-12-19. Review status: criteria provided, single submitter. Criteria: Invitae Variant Classification Sherloc (09022015). Collection method: clinical testing. Allele origin: germline.
Comment: In summary, the available evidence is currently insufficient to determine the role of this variant in disease. Therefore, it has been classified as a Variant of Uncertain Significance. Algorithms developed to predict the effect of missense changes on protein structure and function (SIFT, PolyPhen-2, Align-GVGD) all suggest that this variant is likely to be tolerated, but these predictions have not been confirmed by published functional studies and their clinical significance is uncertain. This variant has not been reported in the literature in individuals with KIF1A-related conditions. This variant is not present in population databases (ExAC no frequency). This sequence change replaces glutamic acid with lysine at codon 705 of the KIF1A protein (p.Glu705Lys). The glutamic acid residue is moderately conserved and there is a small physicochemical difference between glutamic acid and lysine.